The following is an entry in ClinVar:

ClinVar aggregate classification (germline): Likely benign. Review status: criteria provided, multiple submitters, no conflicts (2 of 4 stars). 2 submissions from 2 submitters: Likely benign (2). Last evaluated 2025-01-13.

Allele frequency attached by ClinVar (database versions not stated): gnomAD exomes 0.00002 and 0.00003; TOPMed 0.00006; gnomAD 0.00005; ESP Exome Variant Server 0.00008; ExAC 0.00003.
gnomAD v4.1: 47 of 1,613,986 alleles (0.0029%); highest among the groups gnomAD compares: Non-Finnish European, 0.0033%; no homozygotes.

Submissions (2):

Mayo Clinic Laboratories, Mayo Clinic
Classification: Likely benign. Last evaluated: 2025-01-13. Review status: criteria provided, single submitter. Criteria: ACMG Guidelines, 2015. Collection method: clinical testing. Allele origin: germline. Observed: 1 variant allele.
Comment: BP4, BP7

Labcorp Genetics (formerly Invitae), Labcorp
Classification: Likely benign. Last evaluated: 2018-08-13. Review status: criteria provided, single submitter. Criteria: Invitae Variant Classification Sherloc (09022015). Collection method: clinical testing. Allele origin: germline.

NM_001080421.3(UNC13A):c.2562C>T (p.Tyr854=)

Gene: UNC13A (unc-13 homolog A; minus strand). Cytogenetic location: 19p13.11.
Variant type: single nucleotide variant.
Coding change: c.2562C>T on transcript NM_001080421.3 (MANE Select); coding-DNA position 2562, C replaced by T.
Protein change: p.Tyr854=; no amino-acid change (tyrosine 854 retained).
Molecular consequence: synonymous variant.
Genome position (GRCh38, 1-based): chr19:17,641,467, G>A on the plus strand (C>T on the coding strand, the complement: UNC13A is on the minus strand). VCF-style: chr19-17641467-G-A. GRCh37 (hg19) VCF-style: chr19-17752276-G-A.
Other names: p.Tyr854=; c.2556C>T, p.Tyr852= (NM_001387021.1, NM_001387022.1, NM_001387023.1).
Identifiers: ClinVar variation 764856 (VCV000764856.4), dbSNP rs374674567, ClinGen allele CA9298218.
Genomic context (GRCh38, chr19:17,641,467, plus strand): 5'-GATGGACTCGACGCCGTAGCGCATGGCAAACTCGTCCACAATCTCCTGGGCTGTCTCATC[G>A]TAGTAAACCTTCCAGGCATCGTCACCCTTGGCATCTGGGATCTTCACGACCCCATTGTTC-3'
Protein context (NP_001073890.2, residues 844-864): AKGDDAWKVY[Tyr854=]DETAQEIVDE